The following is an entry in ClinVar:

ClinVar aggregate classification (germline): Conflicting classifications of pathogenicity. Review status: criteria provided, conflicting classifications (1 of 4 stars). 2 submissions from 2 submitters: Uncertain significance (1); Likely benign (1). Last evaluated 2026-01-06.

Conditions:
Inborn genetic diseases. Identifiers: MedGen C0950123, MeSH D030342.

Allele frequency attached by ClinVar (database versions not stated): gnomAD 0.00001; ExAC 0.00002; gnomAD exomes 0.00002; TOPMed 0.00002.
gnomAD v4.1: 27 of 1,614,036 alleles (0.0017%); highest among the groups gnomAD compares: Middle Eastern, 0.016%; no homozygotes.

Submissions (2):

Labcorp Genetics (formerly Invitae), Labcorp
Classification: Uncertain significance. Last evaluated: 2026-01-06. Review status: criteria provided, single submitter. Criteria: Invitae Variant Classification Sherloc (09022015). Collection method: clinical testing. Allele origin: germline.
Comment: This sequence change replaces valine, which is neutral and non-polar, with methionine, which is neutral and non-polar, at codon 3251 of the KMT2A protein (p.Val3251Met). This variant is present in population databases (rs782171210, gnomAD 0.006%). This variant has not been reported in the literature in individuals affected with KMT2A-related conditions. ClinVar contains an entry for this variant (Variation ID: 2177713). Invitae Evidence Modeling of protein sequence and biophysical properties (such as structural, functional, and spatial information, amino acid conservation, physicochemical variation, residue mobility, and thermodynamic stability) indicates that this missense variant is not expected to disrupt KMT2A protein function with a negative predictive value of 95%. In summary, the available evidence is currently insufficient to determine the role of this variant in disease. Therefore, it has been classified as a Variant of Uncertain Significance.

Ambry Genetics
Classification: Likely benign for Inborn genetic diseases. Last evaluated: 2024-12-12. Review status: criteria provided, single submitter. Criteria: Ambry Variant Classification Scheme 2023. Collection method: clinical testing. Allele origin: germline.

NM_001197104.2(KMT2A):c.9751G>A (p.Val3251Met)

Gene: KMT2A (lysine methyltransferase 2A; plus strand). Cytogenetic location: 11q23.3.
Variant type: single nucleotide variant.
Coding change: c.9751G>A on transcript NM_001197104.2 (MANE Select); coding-DNA position 9751, G replaced by A.
Protein change: p.Val3251Met; replaces valine 3251 with methionine.
Molecular consequence: missense variant.
Genome position (GRCh38, 1-based): chr11:118,505,643, G>A. VCF-style: chr11-118505643-G-A. GRCh37 (hg19) VCF-style: chr11-118376358-G-A.
Other names: c.9841G>A, p.Val3281Met (NM_001412597.1); c.9742G>A, p.Val3248Met (NM_005933.4); short protein forms V3251M, V3248M, V3281M.
Identifiers: ClinVar variation 2177713 (VCV002177713.5), dbSNP rs782171210, ClinGen allele CA6304637.